The following is an entry in ClinVar:

ClinVar aggregate classification (germline): Conflicting classifications of pathogenicity. Review status: criteria provided, conflicting classifications (1 of 4 stars). 12 submissions from 8 submitters: Uncertain significance (3); Benign (4); Likely benign (5). Last evaluated 2026-09-01.

Conditions:
TTN-related disorder. Also called: TTN-related condition; TTN-related disease; TTN-related disorders.
Autosomal recessive limb-girdle muscular dystrophy type 2J (LGMDR10). Also called: Limb-girdle muscular dystrophy, type 2J; MUSCULAR DYSTROPHY, LIMB-GIRDLE, AUTOSOMAL RECESSIVE 10. Identifiers: Orphanet 140922, MedGen C1837342, MONDO:0012127, OMIM 608807.
Dilated cardiomyopathy 1G (CMD1G). Identifiers: Orphanet 154, MedGen C1858763, MONDO:0011400, OMIM 604145.
Myopathy, myofibrillar, 9, with early respiratory failure (MFM9). Also called: Hereditary myopathy with early respiratory failure; Myopathy, distal, with early respiratory failure, autosomal dominant; EDSTROM MYOPATHY; MYOPATHY, PROXIMAL, WITH EARLY RESPIRATORY MUSCLE INVOLVEMENT. Identifiers: Orphanet 178464, Orphanet 34521, MedGen C1863599, MONDO:0011362, OMIM 603689.
Early-onset myopathy with fatal cardiomyopathy (CMYO5). Also called: CONGENITAL MYOPATHY 5 WITH CARDIOMYOPATHY; Salih Myopathy. Identifiers: Orphanet 289377, MedGen C2673677, MONDO:0012714, OMIM 611705. Disease mechanism: loss of function.
Tibial muscular dystrophy (TMD). Also called: Tibial muscular dystrophy, tardive; Udd Distal Myopathy – Tibial Muscular Dystrophy; UDD MYOPATHY. Identifiers: Orphanet 609, MedGen C1838244, MONDO:0010870, OMIM 600334.

Allele frequency attached by ClinVar (database versions not stated): 1000 Genomes Project 30x 0.00016; gnomAD 0.00017 and 0.00019; TOPMed 0.00019.
gnomAD v4.1: 174 of 1,597,716 alleles (0.011%); highest among the groups gnomAD compares: Admixed American, 0.13%; 2 homozygotes.

Submissions (12):

CeGaT Center for Human Genetics Tuebingen
Classification: Likely benign. Last evaluated: 2026-09-01. Review status: criteria provided, single submitter. Criteria: CeGaT Center For Human Genetics Tuebingen Variant Classification Criteria Version 2. Collection method: clinical testing. Allele origin: germline. Affected: yes. Observed: 3 variant alleles.
Comment: TTN: BP4, BS2

PreventionGenetics, part of Exact Sciences
Classification: Likely benign for TTN-related condition. Last evaluated: 2026-07-12. Review status: criteria provided, single submitter. Criteria: ACMG Guidelines, 2015. Collection method: clinical testing. Allele origin: germline.
Comment: This variant is classified as likely benign based on ACMG/AMP sequence variant interpretation guidelines (Richards et al. 2015 PMID: 25741868, with internal and published modifications).

Labcorp Genetics (formerly Invitae), Labcorp
Classification: Benign for Dilated cardiomyopathy 1G; Autosomal recessive limb-girdle muscular dystrophy type 2J. Last evaluated: 2026-01-22. Review status: criteria provided, single submitter. Criteria: Invitae Variant Classification Sherloc (09022015). Collection method: clinical testing. Allele origin: germline.

Women's Health and Genetics/Laboratory Corporation of America, LabCorp
Classification: Benign. Last evaluated: 2025-04-29. Review status: criteria provided, single submitter. Criteria: LabCorp Variant Classification Summary - May 2015. Collection method: clinical testing. Allele origin: germline.
Comment: Variant summary: TTN c.19928-7C>T alters a non-conserved nucleotide located at a position not widely known to affect splicing. Consensus agreement among computation tools predict no significant impact on normal splicing. However, these predictions have yet to be confirmed by functional studies. The variant allele was found at a frequency of 0.00021 in 236374 control chromosomes, predominantly at a frequency of 0.00096 within the Latino subpopulation in the gnomAD database. The observed variant frequency within Latino control individuals in the gnomAD database is approximately 2.46 fold of the estimated maximal expected allele frequency for a pathogenic variant in TTN causing Dilated Cardiomyopathy phenotype (0.00039). To our knowledge, no occurrence of c.19928-7C>T in individuals affected with TTN-related conditions and no experimental evidence demonstrating its impact on protein function have been reported. ClinVar contains an entry for this variant (Variation ID: 385711). Based on the evidence outlined above, the variant was classified as benign.

Blueprint Genetics
Classification: Likely benign. Last evaluated: 2024-08-20. Review status: criteria provided, single submitter. Criteria: ACMG Guidelines, 2015. Collection method: clinical testing. Allele origin: germline.

GeneDx
Classification: Likely benign. Last evaluated: 2022-03-24. Review status: criteria provided, single submitter. Criteria: GeneDx Variant Classification Process June 2021. Collection method: clinical testing. Allele origin: germline. Affected: yes.

Illumina Laboratory Services, Illumina
Classification: Benign for Tibial muscular dystrophy. Last evaluated: 2017-09-22. Review status: criteria provided, single submitter. Criteria: ICSL Variant Classification Criteria 13 December 2019. Collection method: clinical testing. Allele origin: germline.
Comment: This variant was observed as part of a predisposition screen in an ostensibly healthy population. A literature search was performed for the gene, cDNA change, and amino acid change (where applicable). No publications were found based on this search. Allele frequency data from public databases was too high to be consistent with this variant causing disease. Therefore, this variant is classified as benign.

Illumina Laboratory Services, Illumina
Classification: Benign for Myopathy, myofibrillar, 9, with early respiratory failure. Last evaluated: 2017-09-22. Review status: criteria provided, single submitter. Criteria: ICSL Variant Classification Criteria 13 December 2019. Collection method: clinical testing. Allele origin: germline.
Comment: the same text as in the submission from Illumina Laboratory Services, Illumina above.

Eurofins Ntd Llc (ga)
Classification: Likely benign. Last evaluated: 2017-04-27. Review status: criteria provided, single submitter. Criteria: EGL Classification Definitions 2015. Collection method: clinical testing. Allele origin: germline. Observed: 1 variant allele, 1 heterozygote.

Illumina Laboratory Services, Illumina
Classification: Uncertain significance for Early-onset myopathy with fatal cardiomyopathy. Last evaluated: 2017-04-27. Review status: criteria provided, single submitter. Criteria: ICSL Variant Classification Criteria 13 December 2019. Collection method: clinical testing. Allele origin: germline.

Illumina Laboratory Services, Illumina
Classification: Uncertain significance for Dilated cardiomyopathy 1G. Last evaluated: 2017-04-27. Review status: criteria provided, single submitter. Criteria: ICSL Variant Classification Criteria 13 December 2019. Collection method: clinical testing. Allele origin: germline.

Illumina Laboratory Services, Illumina
Classification: Uncertain significance for Autosomal recessive limb-girdle muscular dystrophy type 2J. Last evaluated: 2017-04-27. Review status: criteria provided, single submitter. Criteria: ICSL Variant Classification Criteria 13 December 2019. Collection method: clinical testing. Allele origin: germline.

NC_000002.12:g.178719839G>A

Gene: TTN (titin; minus strand). Cytogenetic location: 2q31.2.
Variant type: single nucleotide variant.
Molecular consequence: intron variant (on NM_001267550.2).
Genome position: GRCh38 VCF-style: chr2-178719839-G-A. GRCh37 (hg19) VCF-style: chr2-179584566-G-A.
Other names: c.22709-7C>T (NM_001256850.1); c.23660-7C>T (NM_001267550.2); c.13282+18243C>T (NM_003319.4); c.13858+18243C>T (NM_133437.4); c.13657+18243C>T (NM_133432.3); c.19928-7C>T (NM_133378.4).
Identifiers: ClinVar variation 385711 (VCV000385711.42), dbSNP rs771244164, ClinGen allele CA2000585.